The following is an entry in ClinVar:

ClinVar aggregate classification (germline): Uncertain significance (1 of 4 stars; one submission).

Conditions:
Primary ciliary dyskinesia. Also called: Ciliary dyskinesia. Identifiers: Orphanet 244, MedGen C0008780, MONDO:0016575, HP:0012265.

Allele frequency attached by ClinVar (database versions not stated): gnomAD exomes 0.00001; TOPMed 0.00001; ExAC 0.00002.
gnomAD v4.1: 11 of 1,600,098 alleles (0.00069%); highest among the groups gnomAD compares: South Asian, 0.0011%; no homozygotes.

Submission:

Labcorp Genetics (formerly Invitae), Labcorp
Classification: Uncertain significance for Primary ciliary dyskinesia. Last evaluated: 2026-02-01. Review status: criteria provided, single submitter. Criteria: Invitae Variant Classification Sherloc (09022015). Collection method: clinical testing. Allele origin: germline.
Comment: This sequence change falls in intron 5 of the RSPH4A gene. It does not directly change the encoded amino acid sequence of the RSPH4A protein. It affects a nucleotide within the consensus splice site. This variant is present in population databases (rs757886950, gnomAD 0.003%). This variant has not been reported in the literature in individuals affected with RSPH4A-related conditions. ClinVar contains an entry for this variant (Variation ID: 1509423). Variants that disrupt the consensus splice site are a relatively common cause of aberrant splicing (PMID: 17576681, 9536098). Algorithms developed to predict the effect of sequence changes on RNA splicing suggest that this variant is not likely to affect RNA splicing. In summary, the available evidence is currently insufficient to determine the role of this variant in disease. Therefore, it has been classified as a Variant of Uncertain Significance.

Literature cited by the submitters: PubMed 17576681; PubMed 9536098.

NM_001010892.3(RSPH4A):c.1917-3T>C

Gene: RSPH4A (radial spoke head component 4A; plus strand). Cytogenetic location: 6q22.1.
Variant type: single nucleotide variant.
Coding change: c.1917-3T>C on transcript NM_001010892.3 (MANE Select); 3 bases into the intron before coding-DNA position 1917, T replaced by C.
Molecular consequence: intron variant.
Genome position (GRCh38, 1-based): chr6:116,632,204, T>C. VCF-style: chr6-116632204-T-C. GRCh37 (hg19) VCF-style: chr6-116953367-T-C.
Other names: c.1781-3T>C (NM_001161664.2).
Identifiers: ClinVar variation 1509423 (VCV001509423.6), dbSNP rs757886950, ClinGen allele CA3971086.
Genomic context (GRCh38, chr6:116,632,204, plus strand): 5'-GGGTCAGTTTTTCTGAGAAATTATATAATGATCTTTTTTTCTTCTTCTTTTTCTTACTTA[T>C]AGAAAGTTTGAAAATTTCTACATAGGCTGGGGTCATAAGTATAGTCCAGACAATTATACA-3'